The following is an entry in ClinVar:

NM_000038.6(APC):c.2804A>T (p.Tyr935Phe)

Gene: APC (APC regulator of Wnt signaling pathway; plus strand). Cytogenetic location: 5q22.2.
Variant type: single nucleotide variant.
Coding change: c.2804A>T on transcript NM_000038.6 (MANE Select); coding-DNA position 2804, A replaced by T.
Protein change: p.Tyr935Phe; replaces tyrosine 935 with phenylalanine.
Molecular consequence: missense variant.
Genome position (GRCh38, 1-based): chr5:112,838,398, A>T. VCF-style: chr5-112838398-A-T. GRCh37 (hg19) VCF-style: chr5-112174095-A-T.
Other names: c.2804A>T, p.Tyr935Phe (NM_001127510.3, NM_001354895.2, NM_001407450.1); c.2750A>T, p.Tyr917Phe (NM_001127511.3); c.2858A>T, p.Tyr953Phe (NM_001354896.2, NM_001407447.1, NM_001407448.1 and 1 more transcripts); c.2834A>T, p.Tyr945Phe (NM_001354897.2); c.2729A>T, p.Tyr910Phe (NM_001354898.2); c.2720A>T, p.Tyr907Phe (NM_001354899.2); c.2681A>T, p.Tyr894Phe (NM_001354900.2); c.2627A>T, p.Tyr876Phe (NM_001354901.2, NM_001407453.1); and 11 more; short protein forms Y551F, Y652F, Y775F, Y806F, Y809F, Y834F, Y844F, Y852F.
Identifiers: ClinVar variation 2421997 (VCV002421997.6), dbSNP rs1554084481, ClinGen allele CA16027447.

ClinVar aggregate classification (germline): Uncertain significance (1 of 4 stars; one submission).

Conditions:
Familial adenomatous polyposis 1 (FAP1). Also called: FAMILIAL ADENOMATOUS POLYPOSIS 1, ATTENUATED; POLYPOSIS, ADENOMATOUS INTESTINAL. Identifiers: MedGen C2713442, MONDO:0021056, OMIM 175100. Disease mechanism: loss of function.

Submission:

Labcorp Genetics (formerly Invitae), Labcorp
Classification: Uncertain significance for Familial adenomatous polyposis 1. Last evaluated: 2022-06-28. Review status: criteria provided, single submitter. Criteria: Invitae Variant Classification Sherloc (09022015). Collection method: clinical testing. Allele origin: germline.
Comment: In summary, the available evidence is currently insufficient to determine the role of this variant in disease. Therefore, it has been classified as a Variant of Uncertain Significance. Algorithms developed to predict the effect of missense changes on protein structure and function (SIFT, PolyPhen-2, Align-GVGD) all suggest that this variant is likely to be tolerated. This variant has not been reported in the literature in individuals affected with APC-related conditions. This variant is not present in population databases (gnomAD no frequency). This sequence change replaces tyrosine, which is neutral and polar, with phenylalanine, which is neutral and non-polar, at codon 935 of the APC protein (p.Tyr935Phe).